The following is an entry in ClinVar:

ClinVar aggregate classification (germline): Pathogenic (0 of 4 stars; one submission).

Conditions:
Spinal muscular atrophy, type IV. Also called: SPINAL MUSCULAR ATROPHY, ADULT FORM; SPINAL MUSCULAR ATROPHY, PROXIMAL, ADULT, AUTOSOMAL RECESSIVE; Adult spinal muscular atrophy. Identifiers: Orphanet 83420, MedGen C1838230, MONDO:0010056, OMIM 271150.

Submission:

Brain Disease Center, The First Affiliated Hospital of Anhui University of Chinese Medicine
Classification: Pathogenic for Spinal muscular atrophy, type IV. Review status: no assertion criteria provided. Collection method: provider interpretation. Allele origin: unknown. Inheritance: Autosomal recessive inheritance. Affected: yes.
Comment: Spinal muscular atrophy (SMA) is a rare and fatal autosomal recessive neurodegenerative disease caused by mutations or deletions in the motor neuron survival gene 1 (SMN1) located at 5q13.2. The incidence of the disease is 1/10,000-1/6,000, with a population carrier rate of 1/70-1/40, and it is most common in infants, children, and adolescents. The main pathological feature is degeneration of the alpha motor neurons of the anterior horn of the spinal cord of the lower motor neurons, and the clinical picture is characterized by symmetrical and progressive muscle weakness in the proximal limbs, skeletal muscle atrophy, and fibrillation of the lingual muscle bundles, mostly affecting the skeletal and respiratory systems. It is classified according to age of onset and symptoms into types 0-IV, i.e. fetal, infant, intermediate, juvenile, and adult types. Among these, adult type IV is clinically rare, and patients with gastrocnemius pseudohypertrophy are even more rarely reported.

Literature cited by the submitters: PubMed 35927425.

NC_000005.10:g.71656113_71656167del

Genes: MCCC2 (methylcrotonyl-CoA carboxylase subunit 2; plus strand), SMN1 (survival of motor neuron 1, telomeric). Cytogenetic location: 5q13.2.
Variant type: Deletion.
Molecular consequence: intron variant (on NM_022132.5).
Genome position: GRCh38: chr5:71,656,113-71,656,167. GRCh37 (hg19): chr5:70,951,940-70,951,994.
Other names: c.1575-630_1575-576del (NM_022132.5); c.1461-630_1461-576del (NM_001363147.1).
Identifiers: ClinVar variation 3906142 (VCV003906142.1).